The following is an entry in ClinVar:

NM_001278716.2(FBXL4):c.273T>C (p.Phe91=)

Gene: FBXL4 (F-box and leucine rich repeat protein 4; minus strand). Cytogenetic location: 6q16.2.
Variant type: single nucleotide variant.
Coding change: c.273T>C on transcript NM_001278716.2 (MANE Select); coding-DNA position 273, T replaced by C.
Protein change: p.Phe91=; no amino-acid change (phenylalanine 91 retained).
Molecular consequence: synonymous variant. On other transcripts: non-coding transcript variant (2).
Genome position (GRCh38, 1-based): chr6:98,926,716, A>G on the plus strand (T>C on the coding strand, the complement: FBXL4 is on the minus strand). VCF-style: chr6-98926716-A-G. GRCh37 (hg19) VCF-style: chr6-99374592-A-G.
Other names: c.273T>C, p.Phe91= (NM_012160.5).
Identifiers: ClinVar variation 512559 (VCV000512559.4), dbSNP rs1438963021, ClinGen allele CA451573338.

ClinVar aggregate classification (germline): Likely benign. Review status: criteria provided, multiple submitters, no conflicts (2 of 4 stars). 2 submissions from 2 submitters: Likely benign (2). Last evaluated 2018-03-29.

Allele frequency attached by ClinVar (database versions not stated): gnomAD exomes below 0.00001; gnomAD 0.00001; TOPMed 0.00002.
gnomAD v4.1: 3 of 1,614,130 alleles (0.00019%); highest among the groups gnomAD compares: Admixed American, 0.0017%; no homozygotes.

Submissions (2):

Labcorp Genetics (formerly Invitae), Labcorp
Classification: Likely benign. Last evaluated: 2018-03-29. Review status: criteria provided, single submitter. Criteria: Invitae Variant Classification Sherloc (09022015). Collection method: clinical testing. Allele origin: germline.

GeneDx
Classification: Likely benign. Last evaluated: 2017-10-19. Review status: criteria provided, single submitter. Criteria: GeneDx Variant Classification (06012015). Collection method: clinical testing. Allele origin: germline. Affected: yes.
Comment: This variant is considered likely benign or benign based on one or more of the following criteria: it is a conservative change, it occurs at a poorly conserved position in the protein, it is predicted to be benign by multiple in silico algorithms, and/or has population frequency not consistent with disease.